The following is an entry in ClinVar:

ClinVar aggregate classification (germline): Uncertain significance (1 of 4 stars; one submission).

Submission:

Women's Health and Genetics/Laboratory Corporation of America, LabCorp
Classification: Uncertain significance. Last evaluated: 2024-07-09. Review status: criteria provided, single submitter. Criteria: LabCorp Variant Classification Summary - May 2015. Collection method: clinical testing. Allele origin: germline.
Comment: Variant summary: MAFB c.53T>C (p.Met18Thr) results in a non-conservative amino acid change in the encoded protein sequence. Four of five in-silico tools predict a damaging effect of the variant on protein function. The variant was absent in 247384 control chromosomes. The available data on variant occurrences in the general population are insufficient to allow any conclusion about variant significance. To our knowledge, no occurrence of c.53T>C in individuals affected with MAFB-Related Disorders and no experimental evidence demonstrating its impact on protein function have been reported. No submitters have cited clinical-significance assessments for this variant to ClinVar. Based on the evidence outlined above, the variant was classified as uncertain significance.

NM_005461.5(MAFB):c.53T>C (p.Met18Thr)

Gene: MAFB (MAF bZIP transcription factor B; minus strand). Cytogenetic location: 20q12.
Variant type: single nucleotide variant.
Coding change: c.53T>C on transcript NM_005461.5 (MANE Select); coding-DNA position 53, T replaced by C.
Protein change: p.Met18Thr; replaces methionine 18 with threonine.
Molecular consequence: missense variant.
Genome position (GRCh38, 1-based): chr20:40,688,798, A>G on the plus strand (T>C on the coding strand, the complement: MAFB is on the minus strand). VCF-style: chr20-40688798-A-G. GRCh37 (hg19) VCF-style: chr20-39317438-A-G.
Other names: short protein forms M18T.
Identifiers: ClinVar variation 3339019 (VCV003339019.1).